The following is an entry in ClinVar:

ClinVar aggregate classification (germline): Pathogenic (1 of 4 stars; one submission).

Conditions:
Osteogenesis imperfecta type I (OI1). Also called: OI, TYPE I; OSTEOGENESIS IMPERFECTA TARDA; OSTEOGENESIS IMPERFECTA WITH BLUE SCLERAE; Osteogenesis imperfecta type 1; Lobstein's Disease; Lobstein disease. Identifiers: Orphanet 216796, Orphanet 666, MedGen C0023931, MONDO:0008146, OMIM 166200. Disease mechanism: loss of function.

Submission:

Laboratory of Genetic Skeletal Anomaly, Seoul National University Children's Hospital
Classification: Pathogenic for Osteogenesis imperfecta type I. Last evaluated: 2025-03-01. Review status: criteria provided, single submitter. Criteria: ACMG Guidelines, 2015. Collection method: research. Allele origin: germline. Affected: yes.
Comment: This variant is a novel variant not previously reported in the literature or population databases. It was classified based on available in silico predictions and absence from gnomAD.

NM_000088.4(COL1A1):c.3263_3281del

Gene: COL1A1 (collagen type I alpha 1 chain; minus strand). Cytogenetic location: 17q21.33.
Variant type: Deletion.
Coding change: c.3263_3281del on transcript NM_000088.4 (MANE Select); coding-DNA positions 3263 to 3281, 19 bases deleted (GACCCCAAGGCCCCCGTGG).
Molecular consequence: splice acceptor variant.
Genome position (GRCh38, 1-based): chr17:50,187,964-50,187,982, CCACGGGGGCCTTGGGGTC deleted on the plus strand (GACCCCAAGGCCCCCGTGG on the coding strand, the reverse complement: COL1A1 is on the minus strand); deleting any 19 consecutive bases within chr17:50,187,964-50,187,984 gives the same sequence; the c. name uses the placement nearest the transcript's 3' end. VCF-style (leftmost placement, unchanged base first): chr17-50187963-ACCACGGGGGCCTTGGGGTC-A. GRCh37 (hg19) VCF-style: chr17-48265324-ACCACGGGGGCCTTGGGGTC-A.
Identifiers: ClinVar variation 4280702 (VCV004280702.1).